The following is an entry in ClinVar:

ClinVar aggregate classification (germline): Likely benign. Review status: criteria provided, multiple submitters, no conflicts (2 of 4 stars). 4 submissions from 4 submitters: Likely benign (3). 1 of the submissions does not count toward it. Last evaluated 2025-11-06.

Conditions:
ATP7B-related disorder. Also called: ATP7B-related condition.
Wilson disease (WND). Also called: Wilson's disease. Identifiers: Orphanet 905, MedGen C0019202, MONDO:0010200, OMIM 277900. Disease mechanism: loss of function.

Allele frequency attached by ClinVar (database versions not stated): gnomAD 0.00001 and 0.00002; gnomAD exomes 0.00001; ExAC 0.00002; TOPMed 0.00002.
gnomAD v4.1: 16 of 1,614,084 alleles (0.00099%); highest among the groups gnomAD compares: South Asian, 0.0044%; no homozygotes.

Submissions (4):

Labcorp Genetics (formerly Invitae), Labcorp
Classification: Likely benign for Wilson disease. Last evaluated: 2025-11-06. Review status: criteria provided, single submitter. Criteria: Invitae Variant Classification Sherloc (09022015). Collection method: clinical testing. Allele origin: germline.

All of Us Research Program, National Institutes of Health
Classification: Likely benign for Wilson disease. Last evaluated: 2023-10-30. Review status: criteria provided, single submitter. Criteria: ACMG Guidelines, 2015. Collection method: clinical testing. Allele origin: germline. Inheritance: Autosomal recessive inheritance. Observed: 3 variant alleles, 3 heterozygotes.
Comment: This study involves interpretation of variants in research participants for the purpose of population health screening. Participant phenotype was not available at the time of variant classification. Additional details can be found in publication PMID: 35346344, PMCID: PMC8962531

Color Diagnostics, LLC DBA Color Health
Classification: Likely benign for Wilson disease. Last evaluated: 2023-08-31. Review status: criteria provided, single submitter. Criteria: ACMG Guidelines, 2015. Collection method: clinical testing. Allele origin: germline.

PreventionGenetics, part of Exact Sciences
Classification: Likely benign for ATP7B-related condition. Last evaluated: 2022-01-17. Review status: no assertion criteria provided. Collection method: clinical testing. Allele origin: germline. Not counted in ClinVar's aggregate classification.
Comment: This variant is classified as likely benign based on ACMG/AMP sequence variant interpretation guidelines (Richards et al. 2015 PMID: 25741868, with internal and published modifications).

NM_000053.4(ATP7B):c.1173G>A (p.Ser391=)

Gene: ATP7B (ATPase copper transporting beta; minus strand). Cytogenetic location: 13q14.3.
Variant type: single nucleotide variant.
Coding change: c.1173G>A on transcript NM_000053.4 (MANE Select); coding-DNA position 1173, G replaced by A.
Protein change: p.Ser391=; no amino-acid change (serine 391 retained).
Molecular consequence: synonymous variant.
Genome position (GRCh38, 1-based): chr13:51,974,047, C>T on the plus strand (G>A on the coding strand, the complement: ATP7B is on the minus strand). VCF-style: chr13-51974047-C-T. GRCh37 (hg19) VCF-style: chr13-52548183-C-T.
Other names: c.1173G>A, p.Ser391= (NM_001005918.3, NM_001330578.2, NM_001330579.2); c.840G>A, p.Ser280= (NM_001243182.2).
Identifiers: ClinVar variation 754421 (VCV000754421.13), dbSNP rs200431213, ClinGen allele CA6989424.
Genomic context (GRCh38, chr13:51,974,047, plus strand): 5'-TTCTGGGCTAATTACAGAGGGATTATAAAGAACTGTTGCAGTCCCTTCGGCCAAAGACAC[C>T]GATATTTGCTGCACCCCTTCCAGTTGGGAGATCATGCCTTCAATGGAATGGACACAGGAT-3'
Protein context (NP_000044.2, residues 381-401): ISQLEGVQQI[Ser391=]VSLAEGTATV